The following is an entry in ClinVar:

ClinVar aggregate classification (germline): Likely benign. Review status: criteria provided, single submitter (1 of 4 stars). 2 submissions from 2 submitters: Likely benign (1). 1 of the submissions does not count toward it. Last evaluated 2022-09-02.

Conditions:
KIDINS220-related disorder. Also called: KIDINS220-related condition.

Allele frequency attached by ClinVar (database versions not stated): ESP Exome Variant Server 0.00024; gnomAD exomes 0.00004; TOPMed 0.00006; gnomAD 0.00004 and 0.00006; ExAC 0.00009.
gnomAD v4.1: 65 of 1,614,014 alleles (0.004%); highest among the groups gnomAD compares: South Asian, 0.0088%; no homozygotes.

Submissions (2):

Labcorp Genetics (formerly Invitae), Labcorp
Classification: Likely benign. Last evaluated: 2022-09-02. Review status: criteria provided, single submitter. Criteria: Invitae Variant Classification Sherloc (09022015). Collection method: clinical testing. Allele origin: germline.

PreventionGenetics, part of Exact Sciences
Classification: Likely benign for KIDINS220-related condition. Last evaluated: 2021-08-24. Review status: no assertion criteria provided. Collection method: clinical testing. Allele origin: germline. Not counted in ClinVar's aggregate classification.
Comment: This variant is classified as likely benign based on ACMG/AMP sequence variant interpretation guidelines (Richards et al. 2015 PMID: 25741868, with internal and published modifications).

NM_020738.4(KIDINS220):c.2319C>T (p.Ile773=)

Gene: KIDINS220 (kinase D interacting substrate 220; minus strand). Cytogenetic location: 2p25.1.
Variant type: single nucleotide variant.
Coding change: c.2319C>T on transcript NM_020738.4 (MANE Select); coding-DNA position 2319, C replaced by T.
Protein change: p.Ile773=; no amino-acid change (isoleucine 773 retained).
Molecular consequence: synonymous variant. On other transcripts: non-coding transcript variant (2).
Genome position (GRCh38, 1-based): chr2:8,779,725, G>A on the plus strand (C>T on the coding strand, the complement: KIDINS220 is on the minus strand). VCF-style: chr2-8779725-G-A. GRCh37 (hg19) VCF-style: chr2-8919855-G-A.
Other names: c.2322C>T, p.Ile774= (NM_001348729.2, NM_001348731.2, NM_001348734.2 and 3 more transcripts); c.2319C>T, p.Ile773= (NM_001348732.2, NM_001348735.2, NM_001348738.2 and 3 more transcripts); c.2193C>T, p.Ile731= (NM_001348736.2).
Identifiers: ClinVar variation 738908 (VCV000738908.9), dbSNP rs372177879, ClinGen allele CA1520007.